The following is an entry in ClinVar:

NM_033026.6(PCLO):c.9929A>G (p.Gln3310Arg)

Gene: PCLO (piccolo presynaptic cytomatrix protein; minus strand). Cytogenetic location: 7q21.11.
Variant type: single nucleotide variant.
Coding change: c.9929A>G on transcript NM_033026.6 (MANE Select); coding-DNA position 9929, A replaced by G.
Protein change: p.Gln3310Arg; replaces glutamine 3310 with arginine.
Molecular consequence: missense variant.
Genome position (GRCh38, 1-based): chr7:82,950,659, T>C on the plus strand (A>G on the coding strand, the complement: PCLO is on the minus strand). VCF-style: chr7-82950659-T-C. GRCh37 (hg19) VCF-style: chr7-82579975-T-C.
Other names: c.9929A>G, p.Gln3310Arg (NM_014510.3); short protein forms Q3310R.
Identifiers: ClinVar variation 3628098 (VCV003628098.2).
Genomic context (GRCh38, chr7:82,950,659, plus strand): 5'-GTTTGTGGAGAAGCAGTTCCAGAAGGGTCATAGTTATACTGGTAGATCTGCCGAATCTTT[T>C]GCTCCTCCAGCTGCTGGTGAAGCTGTTGTTGCAGCTGTTGGATCTGCTCAAGCTGTAACT-3'
Protein context (NP_149015.2, residues 3300-3320): QQQLHQQLEE[Gln3310Arg]KIRQIYQYNY

ClinVar aggregate classification (germline): Uncertain significance (1 of 4 stars; one submission).

Submission:

Labcorp Genetics (formerly Invitae), Labcorp
Classification: Uncertain significance. Last evaluated: 2024-05-31. Review status: criteria provided, single submitter. Criteria: Invitae Variant Classification Sherloc (09022015). Collection method: clinical testing. Allele origin: germline.
Comment: This sequence change replaces glutamine, which is neutral and polar, with arginine, which is basic and polar, at codon 3310 of the PCLO protein (p.Gln3310Arg). This variant is not present in population databases (gnomAD no frequency). This variant has not been reported in the literature in individuals affected with PCLO-related conditions. Experimental studies and prediction algorithms are not available or were not evaluated, and the functional significance of this variant is currently unknown. In summary, the available evidence is currently insufficient to determine the role of this variant in disease. Therefore, it has been classified as a Variant of Uncertain Significance.